The following is an entry in ClinVar:

NM_001288718.2(STAT5A):c.2229C>T (p.Asp743=)

Gene: STAT5A (signal transducer and activator of transcription 5A; plus strand). Cytogenetic location: 17q21.2.
Variant type: single nucleotide variant.
Coding change: c.2229C>T on transcript NM_001288718.2 (MANE Select); coding-DNA position 2229, C replaced by T.
Protein change: p.Asp743=; no amino-acid change (aspartic acid 743 retained).
Molecular consequence: synonymous variant.
Genome position (GRCh38, 1-based): chr17:42,310,513, C>T. VCF-style: chr17-42310513-C-T. GRCh37 (hg19) VCF-style: chr17-40462531-C-T.
Other names: c.2139C>T, p.Asp713= (NM_001288719.2); c.2136C>T, p.Asp712= (NM_001288720.2); c.2229C>T, p.Asp743= (NM_003152.4).
Identifiers: ClinVar variation 789092 (VCV000789092.29), dbSNP rs2067694, ClinGen allele CA8575033.

ClinVar aggregate classification (germline): Benign. Review status: criteria provided, multiple submitters, no conflicts (2 of 4 stars). 3 submissions from 3 submitters: Benign (3). Last evaluated 2023-03-01.

Allele frequency attached by ClinVar (database versions not stated): gnomAD 0.00651 and 0.00624; gnomAD exomes 0.00716 and 0.00762; ExAC 0.00766; TOPMed 0.00475; 1000 Genomes Project 0.00499; ESP Exome Variant Server 0.00561; 1000 Genomes Project 30x 0.00562.
gnomAD v4.1: 12,047 of 1,614,126 alleles (0.75%); highest among the groups gnomAD compares: South Asian, 1.4%; 72 homozygotes.

Submissions (3):

CeGaT Center for Human Genetics Tuebingen
Classification: Benign. Last evaluated: 2023-03-01. Review status: criteria provided, single submitter. Criteria: CeGaT Center For Human Genetics Tuebingen Variant Classification Criteria Version 2. Collection method: clinical testing. Allele origin: germline. Affected: yes. Observed: 1 variant allele.
Comment: STAT5A: BS1, BS2

Labcorp Genetics (formerly Invitae), Labcorp
Classification: Benign. Last evaluated: 2019-12-31. Review status: criteria provided, single submitter. Criteria: Invitae Variant Classification Sherloc (09022015). Collection method: clinical testing. Allele origin: germline.

Breakthrough Genomics
Classification: Benign. Review status: criteria provided, single submitter. Criteria: ACMG Guidelines, 2015. Collection method: not provided. Allele origin: germline. Inheritance: Unknown mechanism. Affected: yes.